The following is an entry in ClinVar:

ClinVar aggregate classification (germline): Likely benign. Review status: criteria provided, multiple submitters, no conflicts (2 of 4 stars). 3 submissions from 3 submitters: Likely benign (2). 1 of the submissions does not count toward it. Last evaluated 2025-07-31.

Conditions:
Pulmonary fibrosis and/or bone marrow failure, Telomere-related, 3. Also called: PULMONARY FIBROSIS AND/OR BONE MARROW FAILURE SYNDROME, TELOMERE-RELATED, 3. Identifiers: Orphanet 2032, MedGen C4225346, MONDO:0014613, OMIM 616373.
Dyskeratosis congenita, autosomal recessive 5 (DKCB5). Identifiers: MedGen C3554656, MONDO:0014076, OMIM 615190.
RTEL1-related disorder. Also called: RTEL1-related disorders; RTEL1-related condition.

gnomAD v4.1: 2 of 1,612,822 alleles (0.00012%); highest among the groups gnomAD compares: Admixed American, 0.0033%; no homozygotes.

Submissions (3):

Labcorp Genetics (formerly Invitae), Labcorp
Classification: Likely benign for Dyskeratosis congenita, autosomal recessive 5; Pulmonary fibrosis and/or bone marrow failure, Telomere-related, 3. Last evaluated: 2025-07-31. Review status: criteria provided, single submitter. Criteria: Invitae Variant Classification Sherloc (09022015). Collection method: clinical testing. Allele origin: germline.

Blueprint Genetics
Classification: Likely benign. Last evaluated: 2021-07-06. Review status: criteria provided, single submitter. Criteria: ACMG Guidelines, 2015. Collection method: clinical testing. Allele origin: germline.

PreventionGenetics, part of Exact Sciences
Classification: Likely benign for RTEL1-related condition. Last evaluated: 2021-05-03. Review status: no assertion criteria provided. Collection method: clinical testing. Allele origin: germline. Not counted in ClinVar's aggregate classification.
Comment: This variant is classified as likely benign based on ACMG/AMP sequence variant interpretation guidelines (Richards et al. 2015 PMID: 25741868, with internal and published modifications).

NM_001283009.2(RTEL1):c.1548C>A (p.Val516=)

Genes: RTEL1 (regulator of telomere elongation helicase 1; plus strand), RTEL1-TNFRSF6B (RTEL1-TNFRSF6B readthrough (NMD candidate); plus strand). Cytogenetic location: 20q13.33.
Variant type: single nucleotide variant.
Coding change: c.1548C>A on transcript NM_001283009.2 (MANE Select); coding-DNA position 1548, C replaced by A.
Protein change: p.Val516=; no amino-acid change (valine 516 retained).
Molecular consequence: synonymous variant. On other transcripts: non-coding transcript variant (1).
Genome position (GRCh38, 1-based): chr20:63,688,003, C>A. VCF-style: chr20-63688003-C-A. GRCh37 (hg19) VCF-style: chr20-62319356-C-A.
Other names: c.879C>A, p.Val293= (NM_001283010.1); c.1548C>A, p.Val516= (NM_016434.4); c.1620C>A, p.Val540= (NM_032957.5); c.1620C>A (NM_032957.4).
Identifiers: ClinVar variation 2928633 (VCV002928633.6), dbSNP rs116057134, ClinGen allele CA9964838.
Genomic context (GRCh38, chr20:63,688,003, plus strand): 5'-CCCAGTCTGCCTGGAGAACCCACACATCATCGACAAGCACCAGATCTGGGTGGGGGTCGT[C>A]CCCAGAGGCCCCGATGGAGCCCAGTTGAGCTCCGCGTTTGACAGACGGTGAGGGCCTGTC-3'
Protein context (NP_001269938.1, residues 506-526): IDKHQIWVGV[Val516=]PRGPDGAQLS